The following is an entry in ClinVar:

ClinVar aggregate classification (germline): Conflicting classifications of pathogenicity. Review status: criteria provided, conflicting classifications (1 of 4 stars). 5 submissions from 5 submitters: Pathogenic (1); Uncertain significance (4). Last evaluated 2026-01-20.

Conditions:
Cardiovascular phenotype. Identifiers: MedGen CN230736.
Hypertrophic cardiomyopathy. Also called: HYPERTROPHIC MYOCARDIOPATHY. Identifiers: Orphanet 217569, MedGen C0007194, MeSH D002312, MONDO:0005045, HP:0001639.

Allele frequency attached by ClinVar (database versions not stated): gnomAD exomes below 0.00001.
gnomAD v4.1: 1 of 1,614,224 alleles (0.000062%); highest among the groups gnomAD compares: Non-Finnish European, 0.000085%; no homozygotes.

Submissions (5):

Labcorp Genetics (formerly Invitae), Labcorp
Classification: Uncertain significance for Hypertrophic cardiomyopathy. Last evaluated: 2026-01-20. Review status: criteria provided, single submitter. Criteria: Invitae Variant Classification Sherloc (09022015). Collection method: clinical testing. Allele origin: germline.
Comment: This sequence change replaces aspartic acid, which is acidic and polar, with valine, which is neutral and non-polar, at codon 953 of the MYH7 protein (p.Asp953Val). This variant is present in population databases (rs730880901, gnomAD 0.0009%). This missense change has been observed in individual(s) with hypertrophic cardiomyopathy (HCM) (PMID: 27247418). ClinVar contains an entry for this variant (Variation ID: 181380). Invitae Evidence Modeling of protein sequence and biophysical properties (such as structural, functional, and spatial information, amino acid conservation, physicochemical variation, residue mobility, and thermodynamic stability) indicates that this missense variant is expected to disrupt MYH7 protein function with a positive predictive value of 95%. This variant disrupts the p.Asp953 amino acid residue in MYH7. Other variant(s) that disrupt this residue have been determined to be pathogenic (PMID: 15358028, 22455086). This suggests that this residue is clinically significant, and that variants that disrupt this residue are likely to be disease-causing. In summary, the available evidence is currently insufficient to determine the role of this variant in disease. Therefore, it has been classified as a Variant of Uncertain Significance.

Ambry Genetics
Classification: Uncertain significance for Cardiovascular phenotype. Last evaluated: 2025-03-18. Review status: criteria provided, single submitter. Criteria: Ambry Variant Classification Scheme 2023. Collection method: clinical testing. Allele origin: germline.
Comment: The p.D953V variant (also known as c.2858A>T), located in coding exon 21 of the MYH7 gene, results from an A to T substitution at nucleotide position 2858. The aspartic acid at codon 953 is replaced by valine, an amino acid with highly dissimilar properties. This alteration has been reported in a hypertrophic cardiomyopathy (HCM) cohort (Homburger JR et al. Proc. Natl. Acad. Sci. U.S.A., 2016 06;113:6701-6). This amino acid position is highly conserved in available vertebrate species. In addition, this alteration is predicted to be deleterious by in silico analysis. Since supporting evidence is limited at this time, the clinical significance of this alteration remains unclear.

Mayo Clinic Laboratories, Mayo Clinic
Classification: Uncertain significance. Last evaluated: 2023-02-22. Review status: criteria provided, single submitter. Criteria: ACMG Guidelines, 2015. Collection method: clinical testing. Allele origin: germline. Observed: 1 variant allele.
Comment: PP3, PM2

Stanford Center for Inherited Cardiovascular Disease, Stanford University
Classification: Uncertain significance. Last evaluated: 2012-06-04. Review status: criteria provided, single submitter. Criteria: ACMG Guidelines, 2015. Collection method: provider interpretation. Allele origin: germline.

GeneDx
Classification: Pathogenic. Last evaluated: 2012-02-10. Review status: criteria provided, single submitter. Criteria: GeneDx Variant Classification (06012015). Collection method: clinical testing. Allele origin: germline. Affected: yes.
Comment: This mutation is denoted Asp953Val (aka D953V) at the protein level and c.2858 A>T at the cDNA level. The Asp953Val mutation in the MYH7 gene has not been previously reported as a disease-causing mutation or as a benign polymorphism, to our knowledge. However a mutation in the same codon, (Asp953His) (Van Driest SL et al. 2004) and mutations in nearby codons (Glu949Lys, Leu961Arg) have been reported in association with HCM, supporting the functional importance of this residue and this region of the protein. Asp953Val results in a non-conservative amino acid substitution of a negatively charged Aspartic acid residue with a non-polar Valine residue. Furthermore, the NHLBI ESP Exome Variant Server reports Asp953Val was not observed in approximately 5,000 samples from individuals of European and African American backgrounds, indicating it is not a common benign variant in these populations. The variant is found in HCM panel(s).

Literature cited by the submitters: PubMed 27247418 (cited by Labcorp Genetics (formerly Invitae), Labcorp and Ambry Genetics); PubMed 15358028 (cited by Labcorp Genetics (formerly Invitae), Labcorp); PubMed 22455086 (cited by Labcorp Genetics (formerly Invitae), Labcorp).

NM_000257.4(MYH7):c.2858A>T (p.Asp953Val)

Gene: MYH7 (myosin heavy chain 7; minus strand). Cytogenetic location: 14q11.2.
Variant type: single nucleotide variant.
Coding change: c.2858A>T on transcript NM_000257.4 (MANE Select); coding-DNA position 2858, A replaced by T.
Protein change: p.Asp953Val; replaces aspartic acid 953 with valine.
Molecular consequence: missense variant.
Genome position (GRCh38, 1-based): chr14:23,423,971, T>A on the plus strand (A>T on the coding strand, the complement: MYH7 is on the minus strand). VCF-style: chr14-23423971-T-A. GRCh37 (hg19) VCF-style: chr14-23893180-T-A.
Other names: p.D953V:GAC>GTC; p.Asp953Val; c.2858A>T (LRG_384t1); short protein forms D953V.
Identifiers: ClinVar variation 181380 (VCV000181380.13), dbSNP rs730880901, ClinGen allele CA013157.